The following is an entry in ClinVar:

NM_000245.4(MET):c.2568T>G (p.Asn856Lys)

Gene: MET (MET proto-oncogene, receptor tyrosine kinase; plus strand). Cytogenetic location: 7q31.2.
Variant type: single nucleotide variant.
Coding change: c.2568T>G on transcript NM_000245.4 (MANE Select); coding-DNA position 2568, T replaced by G.
Protein change: p.Asn856Lys; replaces asparagine 856 with lysine.
Molecular consequence: missense variant.
Genome position (GRCh38, 1-based): chr7:116,763,253, T>G. VCF-style: chr7-116763253-T-G. GRCh37 (hg19) VCF-style: chr7-116403307-T-G.
Other names: c.2622T>G, p.Asn874Lys (NM_001127500.3); c.2568T>G, p.Asn856Lys (NM_001324401.3); c.1278T>G, p.Asn426Lys (NM_001324402.2); short protein forms N874K, N426K, N856K.
Identifiers: ClinVar variation 524860 (VCV000524860.17), dbSNP rs118057172, ClinGen allele CA368983676.

ClinVar aggregate classification (germline): Uncertain significance. Review status: criteria provided, multiple submitters, no conflicts (2 of 4 stars). 4 submissions from 4 submitters: Uncertain significance (4). Last evaluated 2025-02-26.

Conditions:
Papillary renal cell carcinoma type 1 (RCCP1). Also called: RENAL CELL CARCINOMA, PAPILLARY, 1, SOMATIC; Renal adenocarcinoma; Renal cell carcinoma 1; Renal cell carcinoma, somatic. Identifiers: Orphanet 47044, MedGen C1336839, OMIM 605074, HP:0011797.
Hereditary cancer-predisposing syndrome. Also called: Neoplastic Syndromes, Hereditary; Hereditary neoplastic syndrome; Tumor predisposition; Hereditary Cancer Syndrome. Identifiers: Orphanet 140162, MedGen C0027672, MeSH D009386, MONDO:0015356.
Renal cell carcinoma. Identifiers: Orphanet 217071, MedGen C0007134, MeSH D002292, MONDO:0005086, HP:0005584.

gnomAD v4.1: 1 of 1,613,748 alleles (0.000062%); no homozygotes.

Submissions (4):

Labcorp Genetics (formerly Invitae), Labcorp
Classification: Uncertain significance for Renal cell carcinoma. Last evaluated: 2025-02-26. Review status: criteria provided, single submitter. Criteria: Invitae Variant Classification Sherloc (09022015). Collection method: clinical testing. Allele origin: germline.
Comment: This sequence change replaces asparagine, which is neutral and polar, with lysine, which is basic and polar, at codon 874 of the MET protein (p.Asn874Lys). This variant is present in population databases (no rsID available, gnomAD 0.003%). This variant has not been reported in the literature in individuals affected with MET-related conditions. ClinVar contains an entry for this variant (Variation ID: 524860). Invitae Evidence Modeling of protein sequence and biophysical properties (such as structural, functional, and spatial information, amino acid conservation, physicochemical variation, residue mobility, and thermodynamic stability) indicates that this missense variant is not expected to disrupt MET protein function with a negative predictive value of 80%. In summary, the available evidence is currently insufficient to determine the role of this variant in disease. Therefore, it has been classified as a Variant of Uncertain Significance.

Ambry Genetics
Classification: Uncertain significance for Hereditary cancer-predisposing syndrome. Last evaluated: 2024-05-09. Review status: criteria provided, single submitter. Criteria: Ambry Variant Classification Scheme 2023. Collection method: clinical testing. Allele origin: germline.
Comment: The p.N874K variant (also known as c.2622T>G), located in coding exon 10 of the MET gene, results from a T to G substitution at nucleotide position 2622. The asparagine at codon 874 is replaced by lysine, an amino acid with similar properties. This amino acid position is conserved. In addition, this alteration is predicted to be tolerated by in silico analysis. Since supporting evidence is limited at this time, the clinical significance of this alteration remains unclear.

GeneDx
Classification: Uncertain significance. Last evaluated: 2024-02-20. Review status: criteria provided, single submitter. Criteria: GeneDx Variant Classification Process June 2021. Collection method: clinical testing. Allele origin: germline. Affected: yes.
Comment: Not observed at significant frequency in large population cohorts (gnomAD); In silico analysis supports that this missense variant does not alter protein structure/function; Has not been previously published as pathogenic or benign to our knowledge

Mendelics
Classification: Uncertain significance for Renal cell carcinoma, papillary, 1. Last evaluated: 2018-07-02. Review status: criteria provided, single submitter. Criteria: Mendelics Assertion Criteria 2017. Collection method: clinical testing. Allele origin: unknown.